The following is an entry in ClinVar:

NM_015656.2(KIF26A):c.4378del (p.Arg1460fs)

Gene: KIF26A (kinesin family member 26A; plus strand). Cytogenetic location: 14q32.33.
Variant type: Deletion.
Coding change: c.4378del on transcript NM_015656.2 (MANE Select); coding-DNA position 4378, one base deleted (C; older notation c.4378delC).
Protein change: p.Arg1460fs; shifts the reading frame from arginine 1460.
Molecular consequence: frameshift variant.
Genome position (GRCh38, 1-based): chr14:104,177,166, C deleted; the last of 4 consecutive C bases (chr14:104,177,163-104,177,166); deleting any one gives the same sequence. VCF-style (leftmost placement, unchanged base first): chr14-104177162-TC-T. GRCh37 (hg19) VCF-style: chr14-104643499-TC-T.
Other names: c.4378delC (NM_015656.2); short protein forms R1460fs.
Identifiers: ClinVar variation 3233662 (VCV003233662.2), dbSNP rs2511492071, ClinGen allele CA2626796551.

ClinVar aggregate classification (germline): Pathogenic (1 of 4 stars; one submission).

Conditions:
Cortical dysplasia, complex, with other brain malformations 11 (CDCBM11). Identifiers: MedGen C5774270, MONDO:0859332, OMIM 620156.

Submission:

Women's Health and Genetics/Laboratory Corporation of America, LabCorp
Classification: Pathogenic for Cortical dysplasia, complex, with other brain malformations 11. Last evaluated: 2024-03-04. Review status: criteria provided, single submitter. Criteria: LabCorp Variant Classification Summary - May 2015. Collection method: clinical testing. Allele origin: germline.
Comment: Variant summary: KIF26A c.4378delC (p.Arg1460GlyfsX44) results in a premature termination codon, predicted to cause a truncation of the encoded protein or absence of the protein due to nonsense mediated decay, which are commonly known mechanisms for disease. The variant was absent in 224208 control chromosomes. To our knowledge, no occurrence of c.4378delC in individuals affected with Cortical Dysplasia, Complex, With Other Brain Malformations 11 and no experimental evidence demonstrating its impact on protein function have been reported. No submitters have cited clinical-significance assessments for this variant to ClinVar. Based on the evidence outlined above, the variant was classified as pathogenic.